The following is an entry in ClinVar:

ClinVar aggregate classification (germline): Pathogenic (1 of 4 stars; one submission).

Submission:

GeneDx
Classification: Pathogenic. Last evaluated: 2024-06-07. Review status: criteria provided, single submitter. Criteria: GeneDx Variant Classification Process June 2021. Collection method: clinical testing. Allele origin: germline. Affected: yes.
Comment: Nonsense variant predicted to result in protein truncation or nonsense mediated decay in a gene for which loss of function is a known mechanism of disease; Not observed at significant frequency in large population cohorts (gnomAD); Has not been previously published as pathogenic or benign to our knowledge

NM_207037.2(TCF12):c.1578T>G (p.Tyr526Ter)

Gene: TCF12 (transcription factor 12; plus strand). Cytogenetic location: 15q21.3.
Variant type: single nucleotide variant.
Coding change: c.1578T>G on transcript NM_207037.2 (MANE Select); coding-DNA position 1578, T replaced by G.
Protein change: p.Tyr526Ter; replaces tyrosine 526 with a stop codon.
Molecular consequence: nonsense.
Genome position (GRCh38, 1-based): chr15:57,262,204, T>G. VCF-style: chr15-57262204-T-G. GRCh37 (hg19) VCF-style: chr15-57554402-T-G.
Other names: c.1068T>G, p.Tyr356Ter (NM_001306219.3); c.798T>G, p.Tyr266Ter (NM_001306220.3); c.1578T>G, p.Tyr526Ter (NM_001322151.2, NM_001322152.2, NM_001322159.3 and 2 more transcripts); c.921T>G, p.Tyr307Ter (NM_001322154.2); c.1404T>G, p.Tyr468Ter (NM_001322156.2); c.1506T>G, p.Tyr502Ter (NM_001322157.3, NM_001322165.2, NM_003205.4 and 1 more transcripts); c.1332T>G, p.Tyr444Ter (NM_001322158.2); c.1575T>G, p.Tyr525Ter (NM_001322161.2); and 2 more; short protein forms Y266*, Y307*, Y332*, Y356*, Y444*, Y468*, Y502*, Y514*.
Identifiers: ClinVar variation 3384387 (VCV003384387.1).